The following is an entry in ClinVar:

ClinVar aggregate classification (germline): Pathogenic (1 of 4 stars; one submission).

Conditions:
Usher syndrome. Also called: Usher's syndrome; Usher Syndromes. Identifiers: Orphanet 886, MedGen CN469326, MeSH D052245, MONDO:0019501. Disease mechanism: loss of function.

Submission:

Laboratory for Molecular Medicine, Mass General Brigham Personalized Medicine
Classification: Pathogenic for Usher syndrome. Last evaluated: 2018-03-07. Review status: criteria provided, single submitter. Criteria: LMM Criteria. Collection method: clinical testing. Allele origin: germline. Inheritance: Autosomal recessive inheritance.
Comment: It was absent from large population studies. This deletion is predicted to cause a frameshift, resulting in a truncated or absent protein. Loss of function of the USH2A gene is an established disease mechanism in Usher syndrome. In summary, this variant meets criteria to be classified as pathogenic for autosomal recessive Usher syndrome.

NM_206933.2(USH2A):c.(?_4628)_(9371_?)del

Gene: USH2A (usherin; minus strand). Cytogenetic location: 1q41.
Variant type: Deletion.
Coding change: c.(?_4628)_(9371_?)del on transcript NM_206933.2; a large deletion whose breakpoints are not mapped to the base.
Identifiers: ClinVar variation 503557 (VCV000503557.4).